The following is an entry in ClinVar:

ClinVar aggregate classification (germline): Uncertain significance (1 of 4 stars; one submission).

Conditions:
Tumor predisposition syndrome 3 (TPDS3). Also called: Melanoma, cutaneous malignant, susceptibility to, 10; Glioma susceptibility 9; LONG TELOMERE SYNDROME, POT1-RELATED; POT1 Tumor Predisposition. Identifiers: Orphanet 618, MedGen C4014476, MONDO:0014368, OMIM 615848.

Submission:

Labcorp Genetics (formerly Invitae), Labcorp
Classification: Uncertain significance for Tumor predisposition syndrome 3. Last evaluated: 2025-03-01. Review status: criteria provided, single submitter. Criteria: Invitae Variant Classification Sherloc (09022015). Collection method: clinical testing. Allele origin: germline.
Comment: This sequence change replaces valine, which is neutral and non-polar, with glycine, which is neutral and non-polar, at codon 411 of the POT1 protein (p.Val411Gly). This variant is not present in population databases (gnomAD no frequency). This variant has not been reported in the literature in individuals affected with POT1-related conditions. Invitae Evidence Modeling of protein sequence and biophysical properties (such as structural, functional, and spatial information, amino acid conservation, physicochemical variation, residue mobility, and thermodynamic stability) indicates that this missense variant is not expected to disrupt POT1 protein function with a negative predictive value of 80%. In summary, the available evidence is currently insufficient to determine the role of this variant in disease. Therefore, it has been classified as a Variant of Uncertain Significance.

NM_015450.3(POT1):c.1232T>G (p.Val411Gly)

Gene: POT1 (protection of telomeres 1; minus strand). Cytogenetic location: 7q31.33.
Variant type: single nucleotide variant.
Coding change: c.1232T>G on transcript NM_015450.3 (MANE Select); coding-DNA position 1232, T replaced by G.
Protein change: p.Val411Gly; replaces valine 411 with glycine.
Molecular consequence: missense variant. On other transcripts: non-coding transcript variant (3).
Genome position (GRCh38, 1-based): chr7:124,841,110, A>C on the plus strand (T>G on the coding strand, the complement: POT1 is on the minus strand). VCF-style: chr7-124841110-A-C. GRCh37 (hg19) VCF-style: chr7-124481164-A-C.
Other names: c.839T>G, p.Val280Gly (NM_001042594.2); short protein forms V280G, V411G.
Identifiers: ClinVar variation 4743455 (VCV004743455.1).